The following is an entry in ClinVar:

ClinVar aggregate classification (germline): Likely benign (1 of 4 stars; one submission).

Submission:

Molecular Diagnostic Laboratory for Inherited Cardiovascular Disease, Montreal Heart Institute
Classification: Likely benign. Last evaluated: 2025-04-09. Review status: criteria provided, single submitter. Criteria: ACMG Guidelines, 2015. Collection method: clinical testing. Allele origin: germline. Affected: no.
Comment: BP1

NM_001267550.2(TTN):c.23459G>A (p.Gly7820Asp)

Gene: TTN (titin; minus strand). Cytogenetic location: 2q31.2.
Variant type: single nucleotide variant.
Coding change: c.23459G>A on transcript NM_001267550.2 (MANE Select); coding-DNA position 23459, G replaced by A.
Protein change: p.Gly7820Asp; replaces glycine 7820 with aspartic acid.
Molecular consequence: missense variant. On other transcripts: intron variant (3).
Genome position (GRCh38, 1-based): chr2:178,720,183, C>T on the plus strand (G>A on the coding strand, the complement: TTN is on the minus strand). VCF-style: chr2-178720183-C-T. GRCh37 (hg19) VCF-style: chr2-179584910-C-T.
Other names: c.22508G>A, p.Gly7503Asp (NM_001256850.1); c.19727G>A, p.Gly6576Asp (NM_133378.4); c.13282+17899G>A (NM_003319.4); c.13858+17899G>A (NM_133437.4); c.13657+17899G>A (NM_133432.3); short protein forms G6576D, G7503D, G7820D.
Identifiers: ClinVar variation 3895255 (VCV003895255.1).
Genomic context (GRCh38, chr2:178,720,183, plus strand): 5'-TCACTCTCTCTGATGACTTCACCTCTATCTTTCAGCCAGACAACAGAAATTGGCTGGAAG[C>T]CCTCCACTATGGCCCGTAACTCAACAGCATCCCCAATAAGGGTTGAGGTGTCACTTAGCT-3'
Protein context (NP_001254479.2, residues 7810-7830): DAVELRAIVE[Gly7820Asp]FQPISVVWLK